The following is an entry in ClinVar:

NM_001040142.2(SCN2A):c.2864G>A (p.Gly955Asp)

Gene: SCN2A (sodium voltage-gated channel alpha subunit 2; plus strand). Cytogenetic location: 2q24.3.
Variant type: single nucleotide variant.
Coding change: c.2864G>A on transcript NM_001040142.2 (MANE Select); coding-DNA position 2864, G replaced by A.
Protein change: p.Gly955Asp; replaces glycine 955 with aspartic acid.
Molecular consequence: missense variant.
Genome position (GRCh38, 1-based): chr2:165,344,856, G>A. VCF-style: chr2-165344856-G-A. GRCh37 (hg19) VCF-style: chr2-166201366-G-A.
Other names: c.2864G>A, p.Gly955Asp (NM_001040143.2, NM_001371246.1, NM_001371247.1 and 1 more transcripts); short protein forms G955D.
Identifiers: ClinVar variation 2636248 (VCV002636248.1), dbSNP rs2105319150, ClinGen allele CA349016244.

ClinVar aggregate classification (germline): Uncertain significance (1 of 4 stars; one submission).

Conditions:
SCN2A-related disorder. Also called: SCN2A-related condition; SCN2A-related disorders. Identifiers: MedGen CN382226, MONDO:1060245.

Allele frequency attached by ClinVar (database versions not stated): gnomAD exomes below 0.00001.
gnomAD v4.1: 1 of 1,614,150 alleles (0.000062%); highest among the groups gnomAD compares: Non-Finnish European, 0.000085%; no homozygotes.

Submission:

PreventionGenetics, part of Exact Sciences
Classification: Uncertain significance for SCN2A-related condition. Last evaluated: 2022-08-25. Review status: criteria provided, single submitter. Criteria: ACMG Guidelines, 2015. Collection method: clinical testing. Allele origin: germline.
Comment: The SCN2A c.2864G>A variant is predicted to result in the amino acid substitution p.Gly955Asp. To our knowledge, this variant has not been reported in the literature or in a large population database, indicating this variant is rare. At this time, the clinical significance of this variant is uncertain due to the absence of conclusive functional and genetic evidence.